The following is an entry in ClinVar:

NM_020928.2(ZSWIM6):c.1237A>G (p.Ile413Val)

Gene: ZSWIM6 (zinc finger SWIM-type containing 6; plus strand). Cytogenetic location: 5q12.1.
Variant type: single nucleotide variant.
Coding change: c.1237A>G on transcript NM_020928.2 (MANE Select); coding-DNA position 1237, A replaced by G.
Protein change: p.Ile413Val; replaces isoleucine 413 with valine.
Molecular consequence: missense variant.
Genome position (GRCh38, 1-based): chr5:61,494,314, A>G. VCF-style: chr5-61494314-A-G. GRCh37 (hg19) VCF-style: chr5-60790141-A-G.
Other names: short protein forms I413V.
Identifiers: ClinVar variation 2782444 (VCV002782444.3), dbSNP rs763658177, ClinGen allele CA3278343.
Genomic context (GRCh38, chr5:61,494,314, plus strand): 5'-CATTAGGTGCGGGAGATGTTAAAGATGAGGGACTCCAATGGGGCCCGCATGTTGACCTTG[A>G]TAACAGAGCAATTCATGGCTGACCCTCGCCTGTCACTTTGGCGGCAACAAGGCACTGCAA-3'
Protein context (NP_065979.1, residues 403-423): DSNGARMLTL[Ile413Val]TEQFMADPRL

ClinVar aggregate classification (germline): Uncertain significance (1 of 4 stars; one submission).

Allele frequency attached by ClinVar (database versions not stated): ExAC 0.00005.

Submission:

Labcorp Genetics (formerly Invitae), Labcorp
Classification: Uncertain significance. Last evaluated: 2025-10-24. Review status: criteria provided, single submitter. Criteria: Invitae Variant Classification Sherloc (09022015). Collection method: clinical testing. Allele origin: germline.
Comment: This sequence change replaces isoleucine, which is neutral and non-polar, with valine, which is neutral and non-polar, at codon 413 of the ZSWIM6 protein (p.Ile413Val). This variant is present in population databases (rs763658177, gnomAD 0.01%). This variant has not been reported in the literature in individuals affected with ZSWIM6-related conditions. ClinVar contains an entry for this variant (Variation ID: 2782444). Invitae Evidence Modeling of protein sequence and biophysical properties (such as structural, functional, and spatial information, amino acid conservation, physicochemical variation, residue mobility, and thermodynamic stability) indicates that this missense variant is not expected to disrupt ZSWIM6 protein function with a negative predictive value of 80%. In summary, the available evidence is currently insufficient to determine the role of this variant in disease. Therefore, it has been classified as a Variant of Uncertain Significance.